The following is an entry in ClinVar:

ClinVar aggregate classification (germline): Uncertain significance (1 of 4 stars; one submission).

Conditions:
TANC2-related disorder. Also called: TANC2-related condition.

gnomAD v4.1: 2 of 1,614,028 alleles (0.00012%); highest among the groups gnomAD compares: Admixed American, 0.0017%; no homozygotes.

Submission:

PreventionGenetics, part of Exact Sciences
Classification: Uncertain significance for TANC2-related condition. Last evaluated: 2025-01-06. Review status: criteria provided, single submitter. Criteria: ACMG Guidelines, 2015. Collection method: clinical testing. Allele origin: germline.
Comment: The TANC2 c.5638A>G variant is predicted to result in the amino acid substitution p.Thr1880Ala. To our knowledge, this variant has not been reported in the literature or in a large population database (gnomAD), indicating this variant is rare. At this time, the clinical significance of this variant is uncertain due to the absence of conclusive functional and genetic evidence.

NM_001394998.1(TANC2):c.5890A>G (p.Thr1964Ala)

Gene: TANC2 (tetratricopeptide repeat, ankyrin repeat and coiled-coil containing 2; plus strand). Cytogenetic location: 17q23.3.
Variant type: single nucleotide variant.
Coding change: c.5890A>G on transcript NM_001394998.1 (MANE Select); coding-DNA position 5890, A replaced by G.
Protein change: p.Thr1964Ala; replaces threonine 1964 with alanine.
Molecular consequence: missense variant.
Genome position (GRCh38, 1-based): chr17:63,421,620, A>G. VCF-style: chr17-63421620-A-G. GRCh37 (hg19) VCF-style: chr17-61498981-A-G.
Other names: c.5668A>G, p.Thr1890Ala (NM_001411076.1); c.5638A>G, p.Thr1880Ala (NM_025185.4); short protein forms T1880A, T1964A, T1890A.
Identifiers: ClinVar variation 4990667 (VCV004990667.1).